The following is an entry in ClinVar:

NM_000095.3(COMP):c.992T>C (p.Val331Ala)

Gene: COMP (cartilage oligomeric matrix protein; minus strand). Cytogenetic location: 19p13.11.
Variant type: single nucleotide variant.
Coding change: c.992T>C on transcript NM_000095.3 (MANE Select); coding-DNA position 992, T replaced by C.
Protein change: p.Val331Ala; replaces valine 331 with alanine.
Molecular consequence: missense variant.
Genome position (GRCh38, 1-based): chr19:18,787,634, A>G on the plus strand (T>C on the coding strand, the complement: COMP is on the minus strand). VCF-style: chr19-18787634-A-G. GRCh37 (hg19) VCF-style: chr19-18898443-A-G.
Other names: short protein forms V331A.
Identifiers: ClinVar variation 1961350 (VCV001961350.5), dbSNP rs2055177176, ClinGen allele CA404890317.

ClinVar aggregate classification (germline): Uncertain significance (1 of 4 stars; one submission).

Allele frequency attached by ClinVar (database versions not stated): gnomAD 0.00001; TOPMed 0.00002.
gnomAD v4.1: 1 of 1,613,724 alleles (0.000062%); highest among the groups gnomAD compares: African/African-American, 0.0013%; no homozygotes.

Submission:

Labcorp Genetics (formerly Invitae), Labcorp
Classification: Uncertain significance. Last evaluated: 2022-09-07. Review status: criteria provided, single submitter. Criteria: Invitae Variant Classification Sherloc (09022015). Collection method: clinical testing. Allele origin: germline.
Comment: In summary, the available evidence is currently insufficient to determine the role of this variant in disease. Therefore, it has been classified as a Variant of Uncertain Significance. Algorithms developed to predict the effect of missense changes on protein structure and function are either unavailable or do not agree on the potential impact of this missense change (SIFT: "Deleterious"; PolyPhen-2: "Possibly Damaging"; Align-GVGD: "Class C0"). This variant has not been reported in the literature in individuals affected with COMP-related conditions. This variant is not present in population databases (gnomAD no frequency). This sequence change replaces valine, which is neutral and non-polar, with alanine, which is neutral and non-polar, at codon 331 of the COMP protein (p.Val331Ala).